The following is an entry in ClinVar:

NM_003776.4(MRPL40):c.10T>C (p.Ser4Pro)

Genes: MRPL40 (mitochondrial ribosomal protein L40; plus strand), LOC130066955 (ATAC-STARR-seq lymphoblastoid silent region 13460; plus strand). Cytogenetic location: 22q11.21.
Variant type: single nucleotide variant.
Coding change: c.10T>C on transcript NM_003776.4 (MANE Select); coding-DNA position 10, T replaced by C.
Protein change: p.Ser4Pro; replaces serine 4 with proline.
Molecular consequence: missense variant. On other transcripts: 5 prime UTR variant (1).
Genome position (GRCh38, 1-based): chr22:19,432,564, T>C. VCF-style: chr22-19432564-T-C. GRCh37 (hg19) VCF-style: chr22-19420087-T-C.
Other names: c.-375T>C (NM_001318151.2); short protein forms S4P.
Identifiers: ClinVar variation 1436468 (VCV001436468.6), dbSNP rs766892250, ClinGen allele CA10100089.

ClinVar aggregate classification (germline): Uncertain significance (1 of 4 stars; one submission).

Allele frequency attached by ClinVar (database versions not stated): TOPMed below 0.00001; gnomAD 0.00001.

Submission:

Labcorp Genetics (formerly Invitae), Labcorp
Classification: Uncertain significance. Last evaluated: 2023-12-22. Review status: criteria provided, single submitter. Criteria: Invitae Variant Classification Sherloc (09022015). Collection method: clinical testing. Allele origin: germline.
Comment: This sequence change replaces serine, which is neutral and polar, with proline, which is neutral and non-polar, at codon 4 of the MRPL40 protein (p.Ser4Pro). This variant is not present in population databases (gnomAD no frequency). This variant has not been reported in the literature in individuals affected with MRPL40-related conditions. ClinVar contains an entry for this variant (Variation ID: 1436468). An algorithm developed to predict the effect of missense changes on protein structure and function (PolyPhen-2) suggests that this variant is likely to be tolerated. In summary, the available evidence is currently insufficient to determine the role of this variant in disease. Therefore, it has been classified as a Variant of Uncertain Significance.